The following is an entry in ClinVar:

NM_006164.5(NFE2L2):c.305A>C (p.Tyr102Ser)

Gene: NFE2L2 (NFE2 like bZIP transcription factor 2; minus strand). Cytogenetic location: 2q31.2.
Variant type: single nucleotide variant.
Coding change: c.305A>C on transcript NM_006164.5 (MANE Select); coding-DNA position 305, A replaced by C.
Protein change: p.Tyr102Ser; replaces tyrosine 102 with serine.
Molecular consequence: missense variant. On other transcripts: intron variant (2).
Genome position (GRCh38, 1-based): chr2:177,234,012, T>G on the plus strand (A>C on the coding strand, the complement: NFE2L2 is on the minus strand). VCF-style: chr2-177234012-T-G. GRCh37 (hg19) VCF-style: chr2-178098740-T-G.
Other names: c.257A>C, p.Tyr86Ser (NM_001145412.3, NM_001145413.3, NM_001313900.1 and 1 more transcripts); c.305A>C, p.Tyr102Ser (NM_001313902.2); c.12+64A>C (NM_001313904.1); c.93+212A>C (NM_001313903.2); short protein forms Y86S, Y102S.
Identifiers: ClinVar variation 3658807 (VCV003658807.2).

ClinVar aggregate classification (germline): Uncertain significance (1 of 4 stars; one submission).

gnomAD v4.1: 2 of 1,614,108 alleles (0.00012%); highest among the groups gnomAD compares: Admixed American, 0.0017%; no homozygotes.

Submission:

Labcorp Genetics (formerly Invitae), Labcorp
Classification: Uncertain significance. Last evaluated: 2025-08-11. Review status: criteria provided, single submitter. Criteria: Invitae Variant Classification Sherloc (09022015). Collection method: clinical testing. Allele origin: germline.
Comment: This sequence change replaces tyrosine, which is neutral and polar, with serine, which is neutral and polar, at codon 102 of the NFE2L2 protein (p.Tyr102Ser). This variant is present in population databases (no rsID available, gnomAD 0.003%). This variant has not been reported in the literature in individuals affected with NFE2L2-related conditions. ClinVar contains an entry for this variant (Variation ID: 3658807). An algorithm developed to predict the effect of missense changes on protein structure and function (PolyPhen-2) suggests that this variant is likely to be tolerated. In summary, the available evidence is currently insufficient to determine the role of this variant in disease. Therefore, it has been classified as a Variant of Uncertain Significance.